The following is an entry in ClinVar:

ClinVar aggregate classification (germline): Uncertain significance (1 of 4 stars; one submission).

Submission:

Labcorp Genetics (formerly Invitae), Labcorp
Classification: Uncertain significance. Last evaluated: 2025-07-30. Review status: criteria provided, single submitter. Criteria: Invitae Variant Classification Sherloc (09022015). Collection method: clinical testing. Allele origin: germline.
Comment: This sequence change replaces threonine, which is neutral and polar, with methionine, which is neutral and non-polar, at codon 246 of the KLHL7 protein (p.Thr246Met). This variant is not present in population databases (gnomAD no frequency). This variant has not been reported in the literature in individuals affected with KLHL7-related conditions. An algorithm developed to predict the effect of missense changes on protein structure and function (PolyPhen-2) suggests that this variant is likely to be disruptive. In summary, the available evidence is currently insufficient to determine the role of this variant in disease. Therefore, it has been classified as a Variant of Uncertain Significance.

NM_001031710.3(KLHL7):c.737C>T (p.Thr246Met)

Gene: KLHL7 (kelch like family member 7; plus strand). Cytogenetic location: 7p15.3.
Variant type: single nucleotide variant.
Coding change: c.737C>T on transcript NM_001031710.3 (MANE Select); coding-DNA position 737, C replaced by T.
Protein change: p.Thr246Met; replaces threonine 246 with methionine.
Molecular consequence: missense variant. On other transcripts: non-coding transcript variant (1).
Genome position (GRCh38, 1-based): chr7:23,143,969, C>T. VCF-style: chr7-23143969-C-T. GRCh37 (hg19) VCF-style: chr7-23183588-C-T.
Other names: c.593C>T, p.Thr198Met (NM_018846.5); short protein forms T198M, T246M.
Identifiers: ClinVar variation 4807115 (VCV004807115.1).